The following is an entry in ClinVar:

NM_000075.4(CDK4):c.132A>T (p.Gly44=)

Genes: CDK4 (cyclin dependent kinase 4; minus strand), LOC130008148 (ATAC-STARR-seq lymphoblastoid silent region 4588; plus strand). Cytogenetic location: 12q14.1.
Variant type: single nucleotide variant.
Coding change: c.132A>T on transcript NM_000075.4 (MANE Select); coding-DNA position 132, A replaced by T.
Protein change: p.Gly44=; no amino-acid change (glycine 44 retained).
Molecular consequence: synonymous variant.
Genome position (GRCh38, 1-based): chr12:57,751,586, T>A on the plus strand (A>T on the coding strand, the complement: CDK4 is on the minus strand). VCF-style: chr12-57751586-T-A. GRCh37 (hg19) VCF-style: chr12-58145369-T-A.
Identifiers: ClinVar variation 236940 (VCV000236940.13), dbSNP rs878853621, ClinGen allele CA10583054.

ClinVar aggregate classification (germline): Benign/Likely benign. Review status: criteria provided, multiple submitters, no conflicts (2 of 4 stars). 3 submissions from 3 submitters: Benign (1); Likely benign (2). Last evaluated 2025-12-17.

Conditions:
Familial melanoma. Also called: Hereditary melanoma; Hereditary cutaneous melanoma. Identifiers: Orphanet 618, MedGen C1512419, MONDO:0018961.
Melanoma, cutaneous malignant, susceptibility to, 3. Also called: Cutaneous malignant melanoma 3. Identifiers: Orphanet 618, MedGen C1836892, MONDO:0012183, OMIM 609048.
Hereditary cancer-predisposing syndrome. Also called: Hereditary neoplastic syndrome; Hereditary Cancer Syndrome; Neoplastic Syndromes, Hereditary; Tumor predisposition. Identifiers: Orphanet 140162, MedGen C0027672, MeSH D009386, MONDO:0015356.

Submissions (3):

Labcorp Genetics (formerly Invitae), Labcorp
Classification: Likely benign for Familial melanoma. Last evaluated: 2025-12-17. Review status: criteria provided, single submitter. Criteria: Invitae Variant Classification Sherloc (09022015). Collection method: clinical testing. Allele origin: germline.

Myriad Genetics, Inc.
Classification: Benign for Melanoma, cutaneous malignant, susceptibility to, 3. Last evaluated: 2024-09-24. Review status: criteria provided, single submitter. Criteria: Myriad Autosomal Dominant, Autosomal Recessive and X-Linked Classification Criteria (2023). Collection method: clinical testing. Allele origin: unknown.
Comment: This variant is considered benign. This variant is a silent/synonymous amino acid change and it is not expected to impact splicing.

Ambry Genetics
Classification: Likely benign for Hereditary cancer-predisposing syndrome. Last evaluated: 2019-09-02. Review status: criteria provided, single submitter. Criteria: Ambry Variant Classification Scheme 2023. Collection method: clinical testing. Allele origin: germline.